The following is an entry in ClinVar:

NM_001614.5(ACTG1):c.*11C>T

Gene: ACTG1 (actin gamma 1; minus strand). Cytogenetic location: 17q25.3.
Variant type: single nucleotide variant.
Coding change: c.*11C>T on transcript NM_001614.5 (MANE Select); 11 bases downstream of the stop codon, C replaced by T.
Molecular consequence: 3 prime UTR variant. On other transcripts: non-coding transcript variant (1).
Genome position (GRCh38, 1-based): chr17:81,510,679, G>A on the plus strand (C>T on the coding strand, the complement: ACTG1 is on the minus strand). VCF-style: chr17-81510679-G-A. GRCh37 (hg19) VCF-style: chr17-79477705-G-A.
Other names: c.*11C>T (NM_001199954.3).
Identifiers: ClinVar variation 228430 (VCV000228430.4), dbSNP rs782341016, ClinGen allele CA8835814.
Genomic context (GRCh38, chr17:81,510,679, plus strand): 5'-GCATTTGCCAGGGGCAAATTTCTATTCTCAATTAACCCATGCAGCAAATGCTACGCATCT[G>A]CTGAGTCCGTTTAGAAGCATTTGCGGTGGACGATGGAGGGGCCCGACTCGTCGTACTCCT-3'

ClinVar aggregate classification (germline): Uncertain significance (1 of 4 stars; one submission).

Allele frequency attached by ClinVar (database versions not stated): ExAC 0.00002; TOPMed 0.00002 and 0.00001; gnomAD 0.00003 and 0.00002; gnomAD exomes 0.00002.

Submission:

Laboratory for Molecular Medicine, Mass General Brigham Personalized Medicine
Classification: Uncertain significance. Last evaluated: 2015-11-05. Review status: criteria provided, single submitter. Criteria: LMM Criteria. Collection method: clinical testing. Allele origin: germline. Observed: 1 variant allele.
Comment: The c.*11C>T variant in ACTG1 has not been previously reported in individuals wi th hearing loss. It has been identified in 1/8636 East Asian and 1/16509 South Asian chromosomes by the Exome Aggregation Consortium (ExAC). This variant occurs in the 3' UTR and its impact is unclear. In s ummary, the clinical significance of the c.*11C>T variant is uncertain.